The following is an entry in ClinVar:

ClinVar aggregate classification (germline): Uncertain significance (1 of 4 stars; one submission).

Submission:

Labcorp Genetics (formerly Invitae), Labcorp
Classification: Uncertain significance. Last evaluated: 2022-08-09. Review status: criteria provided, single submitter. Criteria: Invitae Variant Classification Sherloc (09022015). Collection method: clinical testing. Allele origin: germline.
Comment: This variant results in a copy number gain of the genomic region encompassing exon(s) 7-13 of the ABCG8 gene. This region includes the termination codon of the gene. This copy number gain extends beyond the assayed region for this gene and therefore may encompass additional genes. As the precise location of this event is unknown, it may be in tandem or it may be located elsewhere in the genome. This variant has not been reported in the literature in individuals affected with ABCG8-related conditions. Experimental studies and prediction algorithms are not available or were not evaluated, and the functional significance of this variant is currently unknown. In summary, the available evidence is currently insufficient to determine the role of this variant in disease. Therefore, it has been classified as a Variant of Uncertain Significance.

NC_000002.11:g.(?_44099095)_(44105052_?)dup

Gene: ABCG8 (ATP binding cassette subfamily G member 8; plus strand). Cytogenetic location: 2p21.
Variant type: Duplication.
Identifiers: ClinVar variation 2426746 (VCV002426746.3).